The following is an entry in ClinVar:

NM_000426.4(LAMA2):c.8212G>C (p.Ala2738Pro)

Gene: LAMA2 (laminin subunit alpha 2; plus strand). Cytogenetic location: 6q22.33.
Variant type: single nucleotide variant.
Coding change: c.8212G>C on transcript NM_000426.4 (MANE Select); coding-DNA position 8212, G replaced by C.
Protein change: p.Ala2738Pro; replaces alanine 2738 with proline.
Molecular consequence: missense variant.
Genome position (GRCh38, 1-based): chr6:129,492,451, G>C. VCF-style: chr6-129492451-G-C. GRCh37 (hg19) VCF-style: chr6-129813596-G-C.
Other names: c.8200G>C, p.Ala2734Pro (NM_001079823.2); short protein forms A2734P, A2738P.
Identifiers: ClinVar variation 1362746 (VCV001362746.8), dbSNP rs2114860964, ClinGen allele CA365632341.

ClinVar aggregate classification (germline): Uncertain significance (1 of 4 stars; one submission).

Conditions:
LAMA2-related muscular dystrophy (LAMA2-RD). Also called: Laminin alpha 2-related dystrophy. Identifiers: MedGen C5679788, MONDO:0100228.

Allele frequency attached by ClinVar (database versions not stated): gnomAD exomes below 0.00001.
gnomAD v4.1: 1 of 1,613,706 alleles (0.000062%); highest among the groups gnomAD compares: Non-Finnish European, 0.000085%; no homozygotes.

Submission:

Labcorp Genetics (formerly Invitae), Labcorp
Classification: Uncertain significance for LAMA2-related muscular dystrophy. Last evaluated: 2021-06-20. Review status: criteria provided, single submitter. Criteria: Invitae Variant Classification Sherloc (09022015). Collection method: clinical testing. Allele origin: germline.
Comment: In summary, the available evidence is currently insufficient to determine the role of this variant in disease. Therefore, it has been classified as a Variant of Uncertain Significance. Advanced modeling of protein sequence and biophysical properties (such as structural, functional, and spatial information, amino acid conservation, physicochemical variation, residue mobility, and thermodynamic stability) performed at Invitae indicates that this missense variant is not expected to disrupt LAMA2 protein function. This variant has not been reported in the literature in individuals with LAMA2-related conditions. This variant is not present in population databases (ExAC no frequency). This sequence change replaces alanine with proline at codon 2738 of the LAMA2 protein (p.Ala2738Pro). The alanine residue is weakly conserved and there is a small physicochemical difference between alanine and proline.